The following is an entry in ClinVar:

ClinVar aggregate classification (germline): Uncertain significance. Review status: criteria provided, multiple submitters, no conflicts (2 of 4 stars). 2 submissions from 2 submitters: Uncertain significance (2). Last evaluated 2025-12-01.

Conditions:
Hyperkalemic periodic paralysis. Also called: Familial hyperkalemic periodic paralysis; Gamstorp disease. Identifiers: Orphanet 682, MedGen C0238357, MONDO:0008224, OMIM 170500, HP:0007215.

Allele frequency attached by ClinVar (database versions not stated): gnomAD exomes below 0.00001; TOPMed below 0.00001.
gnomAD v4.1: 1 of 1,613,850 alleles (0.000062%); highest among the groups gnomAD compares: Non-Finnish European, 0.000085%; no homozygotes.

Submissions (2):

Labcorp Genetics (formerly Invitae), Labcorp
Classification: Uncertain significance for Hyperkalemic periodic paralysis. Last evaluated: 2025-12-01. Review status: criteria provided, single submitter. Criteria: Invitae Variant Classification Sherloc (09022015). Collection method: clinical testing. Allele origin: germline.
Comment: This sequence change replaces phenylalanine, which is neutral and non-polar, with serine, which is neutral and polar, at codon 105 of the SCN4A protein (p.Phe105Ser). The frequency data for this variant in the population databases is considered unreliable, as metrics indicate poor data quality at this position in the gnomAD database. This variant has not been reported in the literature in individuals affected with SCN4A-related conditions. ClinVar contains an entry for this variant (Variation ID: 1010480). Invitae Evidence Modeling of protein sequence and biophysical properties (such as structural, functional, and spatial information, amino acid conservation, physicochemical variation, residue mobility, and thermodynamic stability) indicates that this missense variant is expected to disrupt SCN4A protein function with a positive predictive value of 95%. In summary, the available evidence is currently insufficient to determine the role of this variant in disease. Therefore, it has been classified as a Variant of Uncertain Significance.

Revvity Omics, Revvity
Classification: Uncertain significance. Last evaluated: 2022-03-25. Review status: criteria provided, single submitter. Criteria: ACMG Guidelines, 2015. Collection method: clinical testing. Allele origin: germline.

NM_000334.4(SCN4A):c.314T>C (p.Phe105Ser)

Gene: SCN4A (sodium voltage-gated channel alpha subunit 4; minus strand). Cytogenetic location: 17q23.3.
Variant type: single nucleotide variant.
Coding change: c.314T>C on transcript NM_000334.4 (MANE Select); coding-DNA position 314, T replaced by C.
Protein change: p.Phe105Ser; replaces phenylalanine 105 with serine.
Molecular consequence: missense variant.
Genome position (GRCh38, 1-based): chr17:63,972,430, A>G on the plus strand (T>C on the coding strand, the complement: SCN4A is on the minus strand). VCF-style: chr17-63972430-A-G. GRCh37 (hg19) VCF-style: chr17-62049790-A-G.
Other names: short protein forms F105S.
Identifiers: ClinVar variation 1010480 (VCV001010480.12), dbSNP rs1347004471, ClinGen allele CA400640007.